The following is an entry in ClinVar:

NM_001754.5(RUNX1):c.388G>C (p.Val130Leu)

Genes: RUNX1 (RUNX family transcription factor 1; minus strand), RUNX1-AS1 (RUNX1 antisense RNA 1; plus strand). Cytogenetic location: 21q22.12.
Variant type: single nucleotide variant.
Coding change: c.388G>C on transcript NM_001754.5 (MANE Select); coding-DNA position 388, G replaced by C.
Protein change: p.Val130Leu; replaces valine 130 with leucine.
Molecular consequence: missense variant.
Genome position (GRCh38, 1-based): chr21:34,880,677, C>G on the plus strand (G>C on the coding strand, the complement: RUNX1 is on the minus strand). VCF-style: chr21-34880677-C-G. GRCh37 (hg19) VCF-style: chr21-36252974-C-G.
Other names: NM_001754.5:c.388G>C; c.307G>C, p.Val103Leu (NM_001001890.3, NM_001122607.2); short protein forms V103L, V130L.
Identifiers: ClinVar variation 3343281 (VCV003343281.6).

ClinVar aggregate classification (germline): Uncertain significance. Review status: reviewed by expert panel (3 of 4 stars). 4 submissions from 4 submitters: Uncertain significance (1). 3 of the submissions do not count toward it. Last evaluated 2024-10-29.

Conditions:
Hereditary thrombocytopenia and hematological cancer predisposition syndrome associated with RUNX1. Also called: Familial Platelet Disorder with Propensity to Acute Myelogenous Leukemia; Familial thrombocytopenia with propensity to acute myelogenous leukemia; PLATELET DISORDER, ASPIRIN-LIKE; RUNX1 Familial Platelet Disorder with Associated Myeloid Malignancies. Identifiers: Orphanet 71290, MedGen C1832388, MeSH C563324, MONDO:0100083, OMIM 601399.
Inborn genetic diseases. Identifiers: MedGen C0950123, MeSH D030342.
Hereditary thrombocytopenia and hematologic cancer predisposition syndrome. Identifiers: Orphanet 71290, MedGen CN281654, MONDO:0011071.

Submissions (4):

ClinGen Myeloid Malignancy Variant Curation Expert Panel
Classification: Uncertain significance for Hereditary thrombocytopenia and hematologic cancer predisposition syndrome. Last evaluated: 2024-10-29. Review status: reviewed by expert panel. Criteria: ClinGen MyeloMalig ACMG Specifications v2. Collection method: curation. Allele origin: germline. Inheritance: Autosomal dominant inheritance.
Comment: NM_001754.5(RUNX1):c.388G>C (p.Val130Leu) is a missense variant which has a REVEL score ≥ 0.88 (0.915) (PP3). This variant affects a residue within the Runt Homology Domain (AA 89-204) but does not affect an established hotspot residue (PM1_supporting). This variant is completely absent from all population databases with at least 20x coverage for RUNX1 (PM2_Supporting). In summary, the clinical significance of this variant is uncertain. ACMG/AMP criteria applied, as specified by the Myeloid Malignancy Variant Curation Expert Panel for RUNX1: PP3, PM1_supporting, PM2_supporting.

Ambry Genetics
Classification: Uncertain significance for Inborn genetic diseases. Last evaluated: 2025-01-14. Review status: criteria provided, single submitter. Criteria: Ambry Variant Classification Scheme 2023. Collection method: clinical testing. Allele origin: germline. Not counted in ClinVar's aggregate classification.
Comment: The p.V130L variant (also known as c.388G>C), located in coding exon 4 of the RUNX1 gene, results from a G to C substitution at nucleotide position 388. The valine at codon 130 is replaced by leucine, an amino acid with highly similar properties. This amino acid position is conserved. In addition, this alteration is predicted to be deleterious by in silico analysis. Based on the available evidence, the clinical significance of this variant remains unclear.

Labcorp Genetics (formerly Invitae), Labcorp
Classification: Uncertain significance for Hereditary thrombocytopenia and hematological cancer predisposition syndrome associated with RUNX1. Last evaluated: 2024-10-15. Review status: criteria provided, single submitter. Criteria: Invitae Variant Classification Sherloc (09022015). Collection method: clinical testing. Allele origin: germline. Not counted in ClinVar's aggregate classification.
Comment: This sequence change replaces valine, which is neutral and non-polar, with leucine, which is neutral and non-polar, at codon 130 of the RUNX1 protein (p.Val130Leu). This variant is not present in population databases (gnomAD no frequency). This variant has not been reported in the literature in individuals affected with RUNX1-related conditions. Invitae Evidence Modeling of protein sequence and biophysical properties (such as structural, functional, and spatial information, amino acid conservation, physicochemical variation, residue mobility, and thermodynamic stability) has been performed for this missense variant. However, the output from this modeling did not meet the statistical confidence thresholds required to predict the impact of this variant on RUNX1 protein function. In summary, the available evidence is currently insufficient to determine the role of this variant in disease. Therefore, it has been classified as a Variant of Uncertain Significance.

GeneDx
Classification: Uncertain significance. Last evaluated: 2023-05-05. Review status: criteria provided, single submitter. Criteria: GeneDx Variant Classification Process June 2021. Collection method: clinical testing. Allele origin: germline. Affected: yes. Not counted in ClinVar's aggregate classification.
Comment: Not observed at significant frequency in large population cohorts (gnomAD); In silico analysis supports that this missense variant has a deleterious effect on protein structure/function; Has not been previously published as pathogenic or benign to our knowledge